The following is an entry in ClinVar:

NM_001319074.4(RAX2):c.529C>G (p.Leu177Val)

Gene: RAX2 (retina and anterior neural fold homeobox 2; minus strand). Cytogenetic location: 19p13.3.
Variant type: single nucleotide variant.
Coding change: c.529C>G on transcript NM_001319074.4 (MANE Select); coding-DNA position 529, C replaced by G.
Protein change: p.Leu177Val; replaces leucine 177 with valine.
Molecular consequence: missense variant.
Genome position (GRCh38, 1-based): chr19:3,770,647, G>C on the plus strand (C>G on the coding strand, the complement: RAX2 is on the minus strand). VCF-style: chr19-3770647-G-C. GRCh37 (hg19) VCF-style: chr19-3770645-G-C.
Other names: c.529C>G, p.Leu177Val (NM_032753.4); short protein forms L177V.
Identifiers: ClinVar variation 4759800 (VCV004759800.1).
Genomic context (GRCh38, chr19:3,770,647, plus strand): 5'-TGGGCCGAGGAGGGGGCCCGGGAGGGCGGCAGGCTCAGGCTGGCGGCCAGGCCCTGTCCA[G>C]AGCCTGTGCATGTTCCTTGGCCAGCAGCCGCAGGGACGCCTCCTCCAGGGCGAAGCCATC-3'
Protein context (NP_001306003.2, residues 167-184): RLLAKEHAQA[Leu177Val]DRAWPPA

ClinVar aggregate classification (germline): Uncertain significance (1 of 4 stars; one submission).

Submission:

Labcorp Genetics (formerly Invitae), Labcorp
Classification: Uncertain significance. Last evaluated: 2025-07-09. Review status: criteria provided, single submitter. Criteria: Invitae Variant Classification Sherloc (09022015). Collection method: clinical testing. Allele origin: germline.
Comment: This sequence change replaces leucine, which is neutral and non-polar, with valine, which is neutral and non-polar, at codon 177 of the RAX2 protein (p.Leu177Val). This variant is not present in population databases (gnomAD no frequency). This variant has not been reported in the literature in individuals affected with RAX2-related conditions. An algorithm developed to predict the effect of missense changes on protein structure and function (PolyPhen-2) suggests that this variant is likely to be tolerated. In summary, the available evidence is currently insufficient to determine the role of this variant in disease. Therefore, it has been classified as a Variant of Uncertain Significance.